The following is an entry in ClinVar:

NM_001184.4(ATR):c.3945+6C>T

Gene: ATR (ATR checkpoint kinase; minus strand). Cytogenetic location: 3q23.
Variant type: single nucleotide variant.
Coding change: c.3945+6C>T on transcript NM_001184.4 (MANE Select); 6 bases into the intron after coding-DNA position 3945, C replaced by T.
Molecular consequence: intron variant.
Genome position (GRCh38, 1-based): chr3:142,535,074, G>A on the plus strand (C>T on the coding strand, the complement: ATR is on the minus strand). VCF-style: chr3-142535074-G-A. GRCh37 (hg19) VCF-style: chr3-142253916-G-A.
Other names: c.3753+6C>T (NM_001354579.2).
Identifiers: ClinVar variation 1483654 (VCV001483654.6), dbSNP rs1577652413, ClinGen allele CA1054342011.

ClinVar aggregate classification (germline): Uncertain significance (1 of 4 stars; one submission).

Allele frequency attached by ClinVar (database versions not stated): TOPMed below 0.00001; gnomAD 0.00001.
gnomAD v4.1: 2 of 1,608,800 alleles (0.00012%); highest among the groups gnomAD compares: East Asian, 0.0022%; no homozygotes.

Submission:

Labcorp Genetics (formerly Invitae), Labcorp
Classification: Uncertain significance. Last evaluated: 2021-03-09. Review status: criteria provided, single submitter. Criteria: Invitae Variant Classification Sherloc (09022015). Collection method: clinical testing. Allele origin: germline.
Comment: In summary, the available evidence is currently insufficient to determine the role of this variant in disease. Therefore, it has been classified as a Variant of Uncertain Significance. Nucleotide substitutions within the consensus splice site are a relatively common cause of aberrant splicing (PMID: 17576681, 9536098). Algorithms developed to predict the effect of sequence changes on RNA splicing suggest that this variant is not likely to affect RNA splicing, but this prediction has not been confirmed by published transcriptional studies. This variant has not been reported in the literature in individuals with ATR-related conditions. This variant is not present in population databases (ExAC no frequency). This sequence change falls in intron 21 of the ATR gene. It does not directly change the encoded amino acid sequence of the ATR protein. It affects a nucleotide within the consensus splice site of the intron.

Literature cited by the submitters: PubMed 17576681; PubMed 9536098.